The following is an entry in ClinVar:

ClinVar aggregate classification (germline): Pathogenic (1 of 4 stars; one submission).

Conditions:
Polycystic kidney disease, adult type (PKD1). Also called: Polycystic Kidney, Autosomal Dominant; Polycystic Kidney Disease 1, Autosomal Dominant; Polycystic kidney disease 1; Polycystic kidney disease 1, severe; POLYCYSTIC KIDNEY DISEASE 1 WITH OR WITHOUT POLYCYSTIC LIVER DISEASE; POLYCYSTIC KIDNEY DISEASE, ADULT, TYPE I. Identifiers: MedGen C3149841, MONDO:0008263, OMIM 173900.

Submission:

MVZ Medizinische Genetik Mainz
Classification: Pathogenic for Polycystic kidney disease, adult type. Last evaluated: 2025-07-15. Review status: criteria provided, single submitter. Criteria: UK Practice Guidelines For Variant Classification V4 01 2020. Collection method: clinical testing. Allele origin: germline. Inheritance: Autosomal dominant inheritance. Affected: yes. Observed: 1 variant allele.
Comment: ACMG Criteria: PVS1,PM2_SUP,PP4

NM_001009944.3(PKD1):c.11299del (p.Val3767fs)

Genes: PKD1 (polycystin 1, transient receptor potential channel interacting; minus strand), PKD1-AS1 (PKD1 antisense RNA 1; plus strand). Cytogenetic location: 16p13.3.
Variant type: Deletion.
Coding change: c.11299del on transcript NM_001009944.3 (MANE Select); coding-DNA position 11299, one base deleted (G; older notation c.11299delG).
Protein change: p.Val3767fs; shifts the reading frame from valine 3767.
Molecular consequence: frameshift variant.
Genome position (GRCh38, 1-based): chr16:2,092,159, C deleted on the plus strand (G on the coding strand, the reverse complement: PKD1 is on the minus strand); the first of 3 consecutive C bases (chr16:2,092,159-2,092,161); deleting any one gives the same sequence. VCF-style (leftmost placement, unchanged base first): chr16-2092158-AC-A. GRCh37 (hg19) VCF-style: chr16-2142159-AC-A.
Other names: c.11296del, p.Val3766fs (NM_000296.4); short protein forms V3766fs, V3767fs.
Identifiers: ClinVar variation 4072234 (VCV004072234.1).